The following is an entry in ClinVar:

ClinVar aggregate classification (germline): Benign. Review status: criteria provided, multiple submitters, no conflicts (2 of 4 stars). 11 submissions from 11 submitters: Benign (8). 3 of the submissions do not count toward it. Last evaluated 2026-09-21.

Conditions:
Dilated cardiomyopathy 1W (CMD1W). Identifiers: Orphanet 154, MedGen C1969639, MONDO:0012667, OMIM 611407.
Hypertrophic cardiomyopathy 15. Identifiers: MedGen C2750459, MONDO:0013200, OMIM 613255.

Allele frequency attached by ClinVar (database versions not stated): gnomAD 0.65590 and 0.66191; TOPMed 0.66438; 1000 Genomes Project 0.78075; ESP Exome Variant Server 0.63655; 1000 Genomes Project 30x 0.77686.
gnomAD v4.1: 944,600 of 1,611,454 alleles (59%); highest among the groups gnomAD compares: East Asian, 99%; 287,558 homozygotes.

Submissions (11):

Molecular Diagnostic Laboratory for Inherited Cardiovascular Disease, Montreal Heart Institute
Classification: Benign. Last evaluated: 2026-09-21. Review status: criteria provided, single submitter. Criteria: ACMG Guidelines, 2015. Collection method: clinical testing. Allele origin: germline. Affected: no.
Comment: BA1

Labcorp Genetics (formerly Invitae), Labcorp
Classification: Benign for Dilated cardiomyopathy 1W. Last evaluated: 2026-01-31. Review status: criteria provided, single submitter. Criteria: Invitae Variant Classification Sherloc (09022015). Collection method: clinical testing. Allele origin: germline.

ARUP Laboratories, Molecular Genetics and Genomics, ARUP Laboratories
Classification: Benign. Last evaluated: 2022-09-13. Review status: criteria provided, single submitter. Criteria: ARUP Molecular Germline Variant Investigation Process 2021. Collection method: clinical testing. Allele origin: germline.

Genome-Nilou Lab
Classification: Benign for Hypertrophic cardiomyopathy 15. Last evaluated: 2021-12-05. Review status: criteria provided, single submitter. Criteria: ACMG Guidelines, 2015. Collection method: clinical testing. Allele origin: germline. Affected: no.

GeneDx
Classification: Benign. Last evaluated: 2018-06-14. Review status: criteria provided, single submitter. Criteria: GeneDx Variant Classification (06012015). Collection method: clinical testing. Allele origin: germline. Affected: yes.
Comment: This variant is considered likely benign or benign based on one or more of the following criteria: it is a conservative change, it occurs at a poorly conserved position in the protein, it is predicted to be benign by multiple in silico algorithms, and/or has population frequency not consistent with disease.

Eurofins Ntd Llc (ga)
Classification: Benign. Last evaluated: 2016-12-14. Review status: criteria provided, single submitter. Criteria: EGL Classification Definitions 2015. Collection method: clinical testing. Allele origin: germline. Observed: 1 variant allele, 1 heterozygote.

Mayo Clinic Laboratories, Mayo Clinic
Classification: Benign. Last evaluated: 2014-05-07. Review status: criteria provided, single submitter. Criteria: ACMG Guidelines, 2015. Collection method: clinical testing. Allele origin: germline. Observed: 578 variant alleles.

Breakthrough Genomics
Classification: Benign. Review status: criteria provided, single submitter. Criteria: ACMG Guidelines, 2015. Collection method: not provided. Allele origin: germline. Inheritance: Autosomal dominant inheritance. Affected: yes.

Clinical Genetics DNA and cytogenetics Diagnostics Lab, Erasmus MC, Erasmus Medical Center
Classification: Benign. Review status: no assertion criteria provided. Collection method: clinical testing. Allele origin: germline. Affected: yes. Study: VKGL Data-share Consensus. Not counted in ClinVar's aggregate classification.

Genome Diagnostics Laboratory, University Medical Center Utrecht
Classification: Benign. Review status: no assertion criteria provided. Collection method: clinical testing. Allele origin: germline. Affected: yes. Study: VKGL Data-share Consensus. Not counted in ClinVar's aggregate classification.

Joint Genome Diagnostic Labs from Nijmegen and Maastricht, Radboudumc and MUMC+
Classification: Benign. Review status: no assertion criteria provided. Collection method: clinical testing. Allele origin: germline. Affected: yes. Study: VKGL Data-share Consensus. Not counted in ClinVar's aggregate classification.

NM_014000.3(VCL):c.875-24T>A

Gene: VCL (vinculin; plus strand). Cytogenetic location: 10q22.2.
Variant type: single nucleotide variant.
Coding change: c.875-24T>A on transcript NM_014000.3 (MANE Select); 24 bases into the intron before coding-DNA position 875, T replaced by A.
Molecular consequence: intron variant.
Genome position (GRCh38, 1-based): chr10:74,083,342, T>A. VCF-style: chr10-74083342-T-A. GRCh37 (hg19) VCF-style: chr10-75843100-T-A.
Other names: c.875-24T>A (NM_003373.4).
Identifiers: ClinVar variation 498457 (VCV000498457.34), dbSNP rs1908339, ClinGen allele CA5562886.